The following is an entry in ClinVar:

NM_005566.4(LDHA):c.834+268_834+271del

Gene: LDHA (lactate dehydrogenase A; plus strand). Cytogenetic location: 11p15.1.
Variant type: Deletion.
Coding change: c.834+268_834+271del on transcript NM_005566.4 (MANE Select); bases 268 to 271 of the intron after coding-DNA position 834, 4 bases deleted (AAAC; older notation c.834+268_834+271delAAAC).
Molecular consequence: intron variant.
Genome position (GRCh38, 1-based): chr11:18,405,840-18,405,843, AAAC deleted. VCF-style (leftmost placement, unchanged base first): chr11-18405839-TAAAC-T. GRCh37 (hg19) VCF-style: chr11-18427386-TAAAC-T.
Other names: c.711-1277_711-1274del (NM_001165416.2); c.660+268_660+271del (NM_001135239.2); c.688-1399_688-1396del (NM_001165415.2); c.921+268_921+271del (NM_001165414.2).
Identifiers: ClinVar variation 684194 (VCV000684194.1), dbSNP rs10562494, ClinGen allele CA218585855.

ClinVar aggregate classification (germline): Benign (1 of 4 stars; one submission).

Allele frequency attached by ClinVar (database versions not stated): 1000 Genomes Project 30x 0.62758; TOPMed 0.63384; 1000 Genomes Project 0.63498; gnomAD 0.64346 and 0.64923; gnomAD exomes 0.70394.

Submission:

GeneDx
Classification: Benign. Last evaluated: 2018-06-14. Review status: criteria provided, single submitter. Criteria: GeneDx Variant Classification (06012015). Collection method: clinical testing. Allele origin: germline. Affected: yes.
Comment: This variant is considered likely benign or benign based on one or more of the following criteria: it is a conservative change, it occurs at a poorly conserved position in the protein, it is predicted to be benign by multiple in silico algorithms, and/or has population frequency not consistent with disease.